The following is an entry in ClinVar:

ClinVar aggregate classification (germline): Uncertain significance (1 of 4 stars; one submission).

gnomAD v4.1: 1 of 1,614,122 alleles (0.000062%); highest among the groups gnomAD compares: Non-Finnish European, 0.000085%; no homozygotes.

Submission:

GeneDx
Classification: Uncertain significance. Last evaluated: 2024-09-18. Review status: criteria provided, single submitter. Criteria: GeneDx Variant Classification Process June 2021. Collection method: clinical testing. Allele origin: germline.
Comment: Not observed at significant frequency in large population cohorts (gnomAD); In silico analysis supports that this missense variant does not alter protein structure/function; Has not been previously published as pathogenic or benign to our knowledge

NM_001148.6(ANK2):c.7405C>G (p.Leu2469Val)

Genes: ANK2 (ankyrin 2; plus strand), LOC126807137 (CDK7 strongly-dependent group 2 enhancer GRCh37_chr4:114276560-114277759; plus strand). Cytogenetic location: 4q26.
Variant type: single nucleotide variant.
Coding change: c.7405C>G on transcript NM_001148.6 (MANE Select); coding-DNA position 7405, C replaced by G.
Protein change: p.Leu2469Val; replaces leucine 2469 with valine.
Molecular consequence: missense variant. On other transcripts: intron variant (68).
Genome position (GRCh38, 1-based): chr4:113,356,023, C>G. VCF-style: chr4-113356023-C-G. GRCh37 (hg19) VCF-style: chr4-114277179-C-G.
Other names: c.7171C>G, p.Leu2391Val (NM_001386142.1); c.3805C>G, p.Leu1269Val (NM_001386166.1); c.7546C>G, p.Leu2516Val (NM_001386174.1); c.7522C>G, p.Leu2508Val (NM_001386175.1); c.4412-4800C>G (NM_001386186.2, NM_001386148.2); c.4214-4800C>G (NM_001354269.3); c.4292-4800C>G (NM_001386187.2); c.4253-4800C>G (NM_001386147.1); and 35 more; short protein forms L2469V, L2391V, L2508V, L2516V, L1269V.
Identifiers: ClinVar variation 1810694 (VCV001810694.2), dbSNP rs2154024675, ClinGen allele CA357930266.